The following is an entry in ClinVar:

NM_000111.3(SLC26A3):c.1711C>T (p.Arg571Cys)

Gene: SLC26A3 (solute carrier family 26 member 3; minus strand). Cytogenetic location: 7q22.3.
Variant type: single nucleotide variant.
Coding change: c.1711C>T on transcript NM_000111.3 (MANE Select); coding-DNA position 1711, C replaced by T.
Protein change: p.Arg571Cys; replaces arginine 571 with cysteine.
Molecular consequence: missense variant.
Genome position (GRCh38, 1-based): chr7:107,774,839, G>A on the plus strand (C>T on the coding strand, the complement: SLC26A3 is on the minus strand). VCF-style: chr7-107774839-G-A. GRCh37 (hg19) VCF-style: chr7-107415284-G-A.
Other names: short protein forms R571C.
Identifiers: ClinVar variation 1931510 (VCV001931510.2), dbSNP rs749777742, ClinGen allele CA4433718.

ClinVar aggregate classification (germline): Uncertain significance (1 of 4 stars; one submission).

Allele frequency attached by ClinVar (database versions not stated): ExAC 0.00001; gnomAD 0.00002.
gnomAD v4.1: 20 of 1,613,980 alleles (0.0012%); highest among the groups gnomAD compares: African/African-American, 0.0053%; no homozygotes.

Submission:

Labcorp Genetics (formerly Invitae), Labcorp
Classification: Uncertain significance. Last evaluated: 2021-12-28. Review status: criteria provided, single submitter. Criteria: Invitae Variant Classification Sherloc (09022015). Collection method: clinical testing. Allele origin: germline.
Comment: This sequence change replaces arginine, which is basic and polar, with cysteine, which is neutral and slightly polar, at codon 571 of the SLC26A3 protein (p.Arg571Cys). This variant is present in population databases (rs749777742, gnomAD 0.01%). This variant has not been reported in the literature in individuals affected with SLC26A3-related conditions. Algorithms developed to predict the effect of missense changes on protein structure and function are either unavailable or do not agree on the potential impact of this missense change (SIFT: "Deleterious"; PolyPhen-2: "Probably Damaging"; Align-GVGD: "Class C0"). In summary, the available evidence is currently insufficient to determine the role of this variant in disease. Therefore, it has been classified as a Variant of Uncertain Significance.